The following is an entry in ClinVar:

NM_000540.3(RYR1):c.13153G>T (p.Asp4385Tyr)

Gene: RYR1 (ryanodine receptor 1; plus strand). Cytogenetic location: 19q13.2.
Variant type: single nucleotide variant.
Coding change: c.13153G>T on transcript NM_000540.3 (MANE Select); coding-DNA position 13153, G replaced by T.
Protein change: p.Asp4385Tyr; replaces aspartic acid 4385 with tyrosine.
Molecular consequence: missense variant.
Genome position (GRCh38, 1-based): chr19:38,565,487, G>T. VCF-style: chr19-38565487-G-T. GRCh37 (hg19) VCF-style: chr19-39056127-G-T.
Other names: c.13138G>T, p.Asp4380Tyr (NM_001042723.2); short protein forms D4380Y, D4385Y.
Identifiers: ClinVar variation 870943 (VCV000870943.42), dbSNP rs1227202568, ClinGen allele CA405673760.
Genomic context (GRCh38, chr19:38,565,487, plus strand): 5'-GGCGGCCTGGTGGAGGGCGCCAAGAAGGTGACGGTGACCGAGCTCCTGGCAGGCATGCCC[G>T]ACCCCACCAGCGACGAGGTGCACGGCGAGCAGCCGGCCGGGCCGGGCGGAGACGCAGACG-3'
Protein context (NP_000531.2, residues 4375-4395): TVTELLAGMP[Asp4385Tyr]PTSDEVHGEQ

ClinVar aggregate classification (germline): Uncertain significance. Review status: criteria provided, multiple submitters, no conflicts (2 of 4 stars). 2 submissions from 2 submitters: Uncertain significance (2). Last evaluated 2024-01-03.

Allele frequency attached by ClinVar (database versions not stated): TOPMed below 0.00001.
gnomAD v4.1: 1 of 1,505,468 alleles (0.000066%); highest among the groups gnomAD compares: Non-Finnish European, 0.000088%; no homozygotes.

Submissions (2):

Women's Health and Genetics/Laboratory Corporation of America, LabCorp
Classification: Uncertain significance. Last evaluated: 2024-01-03. Review status: criteria provided, single submitter. Criteria: LabCorp Variant Classification Summary - May 2015. Collection method: clinical testing. Allele origin: germline.
Comment: Variant summary: RYR1 c.13153G>T (p.Asp4385Tyr) results in a non-conservative amino acid change in the encoded protein sequence. Five of five in-silico tools predict a damaging effect of the variant on protein function. The variant was absent in 103516 control chromosomes (gnomAD). The available data on variant occurrences in the general population are insufficient to allow any conclusion about variant significance. To our knowledge, no occurrence of c.13153G>T in individuals affected with RYR1-related disorders and no experimental evidence demonstrating its impact on protein function have been reported. One submitter has cited a clinical-significance assessment for this variant to ClinVar after 2014 and has classified the variant as uncertain significance. Based on the evidence outlined above, the variant was classified as uncertain significance.

CeGaT Center for Human Genetics Tuebingen
Classification: Uncertain significance. Last evaluated: 2020-01-01. Review status: criteria provided, single submitter. Criteria: CeGaT Center For Human Genetics Tuebingen Variant Classification Criteria Version 2. Collection method: clinical testing. Allele origin: germline. Affected: yes. Observed: 1 variant allele.